The following is an entry in ClinVar:

NM_001128225.3(SLC39A13):c.254C>T (p.Pro85Leu)

Gene: SLC39A13 (solute carrier family 39 member 13; plus strand). Cytogenetic location: 11p11.2.
Variant type: single nucleotide variant.
Coding change: c.254C>T on transcript NM_001128225.3 (MANE Select); coding-DNA position 254, C replaced by T.
Protein change: p.Pro85Leu; replaces proline 85 with leucine.
Molecular consequence: missense variant. On other transcripts: non-coding transcript variant (1).
Genome position (GRCh38, 1-based): chr11:47,410,348, C>T. VCF-style: chr11-47410348-C-T. GRCh37 (hg19) VCF-style: chr11-47431899-C-T.
Other names: c.254C>T, p.Pro85Leu (NM_001330245.2, NM_152264.5); short protein forms P85L.
Identifiers: ClinVar variation 1304407 (VCV001304407.3), dbSNP rs763663223, ClinGen allele CA5975697.

ClinVar aggregate classification (germline): Uncertain significance (1 of 4 stars; one submission).

Allele frequency attached by ClinVar (database versions not stated): gnomAD exomes 0.00001 and 0.00002; ExAC 0.00002.

Submission:

GeneDx
Classification: Uncertain significance. Last evaluated: 2024-06-11. Review status: criteria provided, single submitter. Criteria: GeneDx Variant Classification Process June 2021. Collection method: clinical testing. Allele origin: germline. Affected: yes.
Comment: Has not been previously published as pathogenic or benign to our knowledge; Not observed at significant frequency in large population cohorts (gnomAD); In silico analysis supports that this missense variant has a deleterious effect on protein structure/function